The following is an entry in ClinVar:

NM_198334.3(GANAB):c.2288A>C (p.His763Pro)

Gene: GANAB (glucosidase II alpha subunit; minus strand). Cytogenetic location: 11q12.3.
Variant type: single nucleotide variant.
Coding change: c.2288A>C on transcript NM_198334.3 (MANE Select); coding-DNA position 2288, A replaced by C.
Protein change: p.His763Pro; replaces histidine 763 with proline.
Molecular consequence: missense variant.
Genome position (GRCh38, 1-based): chr11:62,627,082, T>G on the plus strand (A>C on the coding strand, the complement: GANAB is on the minus strand). VCF-style: chr11-62627082-T-G. GRCh37 (hg19) VCF-style: chr11-62394554-T-G.
Other names: c.2354A>C (NM_198335.2); c.2012A>C, p.His671Pro (NM_001278192.2); c.1946A>C, p.His649Pro (NM_001278193.2); c.1997A>C, p.His666Pro (NM_001278194.2, NM_001329222.2, NM_001329223.2); c.1565A>C, p.His522Pro (NM_001329224.2, NM_001329225.2); c.2354A>C, p.His785Pro (NM_198335.4); short protein forms H522P, H649P, H666P, H671P, H763P, H785P.
Identifiers: ClinVar variation 2442748 (VCV002442748.2), dbSNP rs1479160135, ClinGen allele CA380988373.

ClinVar aggregate classification (germline): Uncertain significance. Review status: criteria provided, multiple submitters, no conflicts (2 of 4 stars). 2 submissions from 2 submitters: Uncertain significance (2). Last evaluated 2025-11-20.

Conditions:
Inborn genetic diseases. Identifiers: MedGen C0950123, MeSH D030342.

gnomAD v4.1: 27 of 1,613,908 alleles (0.0017%); highest among the groups gnomAD compares: Non-Finnish European, 0.0023%; no homozygotes.

Submissions (2):

Ambry Genetics
Classification: Uncertain significance for Inborn genetic diseases. Last evaluated: 2025-11-20. Review status: criteria provided, single submitter. Criteria: Ambry Variant Classification Scheme 2023. Collection method: clinical testing. Allele origin: germline.

GeneDx
Classification: Uncertain significance. Last evaluated: 2022-09-01. Review status: criteria provided, single submitter. Criteria: GeneDx Variant Classification Process June 2021. Collection method: clinical testing. Allele origin: germline. Affected: yes.
Comment: Not observed at significant frequency in large population cohorts (gnomAD); In silico analysis supports that this missense variant does not alter protein structure/function; Has not been previously published as pathogenic or benign to our knowledge